The following is an entry in ClinVar:

NM_000390.4(CHM):c.402dup (p.Asp135fs)

Genes: CHM (CHM Rab escort protein; minus strand), LOC129391306 (MPRA-validated peak7401 silencer; plus strand). Cytogenetic location: Xq21.2.
Variant type: Duplication.
Coding change: c.402dup on transcript NM_000390.4 (MANE Select); coding-DNA position 402, one base duplicated (A; older notation c.402dupA).
Protein change: p.Asp135fs; shifts the reading frame from aspartic acid 135.
Molecular consequence: frameshift variant. On other transcripts: 5 prime UTR variant (4).
Genome position (GRCh38, 1-based): chrX:85,963,965, T duplicated on the plus strand (A on the coding strand, the reverse complement: CHM is on the minus strand). VCF-style (leftmost placement, unchanged base first): chrX-85963964-C-CT. GRCh37 (hg19) VCF-style: chrX-85218969-C-CT.
Other names: c.-43dup (NM_001320959.1, NM_001362517.1, NM_001362518.2 and 1 more transcripts); short protein forms D135fs.
Identifiers: ClinVar variation 3773664 (VCV003773664.2).

ClinVar aggregate classification (germline): Pathogenic (1 of 4 stars; one submission).

Conditions:
Choroideremia. Also called: Chorioretinal scalloped atrophy. Identifiers: Orphanet 180, MedGen C0008525, MONDO:0010557, OMIM 303100, HP:0001139.

Submission:

Institute of Human Genetics, University of Leipzig Medical Center
Classification: Pathogenic for Choroideremia. Last evaluated: 2025-03-04. Review status: criteria provided, single submitter. Criteria: ACMG Guidelines, 2015. Collection method: clinical testing. Allele origin: unknown. Inheritance: X-linked dominant inheritance. Affected: yes.
Comment: Criteria applied: PVS1,PM2